The following is an entry in ClinVar:

NM_001199753.2(CPT1C):c.589G>A (p.Glu197Lys)

Gene: CPT1C (carnitine palmitoyltransferase 1C; plus strand). Cytogenetic location: 19q13.33.
Variant type: single nucleotide variant.
Coding change: c.589G>A on transcript NM_001199753.2 (MANE Select); coding-DNA position 589, G replaced by A.
Protein change: p.Glu197Lys; replaces glutamic acid 197 with lysine.
Molecular consequence: missense variant. On other transcripts: non-coding transcript variant (1).
Genome position (GRCh38, 1-based): chr19:49,701,530, G>A. VCF-style: chr19-49701530-G-A. GRCh37 (hg19) VCF-style: chr19-50204787-G-A.
Other names: c.589G>A, p.Glu197Lys (NM_001136052.3, NM_001199752.3, NM_001378482.1 and 7 more transcripts); short protein forms E197K.
Identifiers: ClinVar variation 569509 (VCV000569509.8), dbSNP rs749791796, ClinGen allele CA406900565.

ClinVar aggregate classification (germline): Uncertain significance (1 of 4 stars; one submission).

Conditions:
Hereditary spastic paraplegia 73. Also called: Spastic paraplegia 73, autosomal dominant. Identifiers: Orphanet 444099, MedGen C5568981, MONDO:0014568, OMIM 616282.

Allele frequency attached by ClinVar (database versions not stated): TOPMed 0.00001.
gnomAD v4.1: 3 of 1,612,002 alleles (0.00019%); highest among the groups gnomAD compares: Non-Finnish European, 0.00025%; no homozygotes.

Submission:

Labcorp Genetics (formerly Invitae), Labcorp
Classification: Uncertain significance for Hereditary spastic paraplegia 73. Last evaluated: 2018-04-27. Review status: criteria provided, single submitter. Criteria: Invitae Variant Classification Sherloc (09022015). Collection method: clinical testing. Allele origin: germline.
Comment: Algorithms developed to predict the effect of missense changes on protein structure and function output the following: SIFT: "Tolerated"; PolyPhen-2: "Benign"; Align-GVGD: "Class C0". The lysine amino acid residue is found in multiple mammalian species, suggesting that this missense change does not adversely affect protein function. These predictions have not been confirmed by published functional studies and their clinical significance is uncertain. This variant has not been reported in the literature in individuals with CPT1C-related disease. This variant is not present in population databases (ExAC no frequency). This sequence change replaces glutamic acid with lysine at codon 197 of the CPT1C protein (p.Glu197Lys). The glutamic acid residue is moderately conserved and there is a small physicochemical difference between glutamic acid and lysine. In summary, the available evidence is currently insufficient to determine the role of this variant in disease. Therefore, it has been classified as a Variant of Uncertain Significance.